The following is an entry in ClinVar:

NM_000159.4(GCDH):c.1123T>C (p.Cys375Arg)

Gene: GCDH (glutaryl-CoA dehydrogenase; plus strand). Cytogenetic location: 19p13.13.
Variant type: single nucleotide variant.
Coding change: c.1123T>C on transcript NM_000159.4 (MANE Select); coding-DNA position 1123, T replaced by C.
Protein change: p.Cys375Arg; replaces cysteine 375 with arginine.
Molecular consequence: missense variant. On other transcripts: non-coding transcript variant (2).
Genome position (GRCh38, 1-based): chr19:12,897,743, T>C. VCF-style: chr19-12897743-T-C. GRCh37 (hg19) VCF-style: chr19-13008557-T-C.
Other names: c.1123T>C, p.Cys375Arg (NM_013976.5); c.1123T>C (NM_000159.3, NM_000159.2); short protein forms C375R.
Identifiers: ClinVar variation 1454982 (VCV001454982.15), dbSNP rs1348974766, ClinGen allele CA404321382.

ClinVar aggregate classification (germline): Pathogenic/Likely pathogenic. Review status: criteria provided, multiple submitters, no conflicts (2 of 4 stars). 5 submissions from 5 submitters: Pathogenic (1); Likely pathogenic (4). Last evaluated 2026-07-30.

Conditions:
Glutaric aciduria, type 1. Also called: Glutaric acidemia type I; Glutaricacidemia Type 1; Glutaricaciduria, type I; Glutaric Acidemia Type 1; Glutaryl-CoA dehydrogenase deficiency; GA I. Identifiers: Orphanet 25, MedGen C0268595, MONDO:0009281, OMIM 231670.
GCDH-related disorder. Also called: GCDH-related condition.

Allele frequency attached by ClinVar (database versions not stated): gnomAD exomes below 0.00001; gnomAD 0.00001; TOPMed 0.00001.
gnomAD v4.1: 2 of 1,613,730 alleles (0.00012%); highest among the groups gnomAD compares: African/African-American, 0.0027%; no homozygotes.

Submissions (5):

PreventionGenetics, part of Exact Sciences
Classification: Likely pathogenic for GCDH-related condition. Last evaluated: 2026-07-30. Review status: criteria provided, single submitter. Criteria: ACMG Guidelines, 2015. Collection method: clinical testing. Allele origin: germline.
Comment: The GCDH c.1123T>C variant is predicted to result in the amino acid substitution p.Cys375Arg. This variant has been reported in a cohort of individuals with glutaric acidemia type 1 (GA1), but no evidence was provided to support pathogenicity (Goodman et al. 1998. PubMed ID: 9711871). This variant has also been reported along with a pathogenic GCDH variant (p.Glu64Asp) in an individual with GA1 with a mild clinical course (Georgiou et al. 2014. PubMed ID: 24973495). This variant has not been reported in a large population database (gnomAD), indicating it is rare. Taken together, this variant is interpreted as likely pathogenic.

Women's Health and Genetics/Laboratory Corporation of America, LabCorp
Classification: Likely pathogenic for Glutaric aciduria, type 1. Last evaluated: 2025-10-24. Review status: criteria provided, single submitter. Criteria: LabCorp Variant Classification Summary - May 2015. Collection method: clinical testing. Allele origin: germline.
Comment: Variant summary: GCDH c.1123T>C (p.Cys375Arg) results in a non-conservative amino acid change located in the acyl-CoA dehydrogenase/oxidase, C-terminal (IPR009075) of the encoded protein sequence. Algorithms developed to predict the effect of missense changes on protein structure and function all suggest that this variant is likely to be disruptive. The variant was absent in 251466 control chromosomes (gnomAD). c.1123T>C has been observed in the presumed compound heterozygous state in at least 2 individuals affected with clinical features of Glutaric Acidemia Type 1 (e.g., Georgiou_2014, Labcorp (formerly Invitae)). These data indicate that the variant may be associated with disease. To our knowledge, no experimental evidence demonstrating an impact on protein function has been reported. The following publications have been ascertained in the context of this evaluation (PMID: 9711871, 37020324, 38137040, 24973495). ClinVar contains an entry for this variant (Variation ID: 1454982). Based on the evidence outlined above, the variant was classified as likely pathogenic.

GeneDx
Classification: Likely pathogenic. Last evaluated: 2025-06-13. Review status: criteria provided, single submitter. Criteria: GeneDx Variant Classification Process June 2021. Collection method: clinical testing. Allele origin: germline. Affected: yes.
Comment: Not observed at significant frequency in large population cohorts (gnomAD); In silico analysis supports that this missense variant has a deleterious effect on protein structure/function; This variant is associated with the following publications: (PMID: 9711871, 24973495, 37020324)

Labcorp Genetics (formerly Invitae), Labcorp
Classification: Pathogenic for Glutaric aciduria, type 1. Last evaluated: 2025-02-25. Review status: criteria provided, single submitter. Criteria: Invitae Variant Classification Sherloc (09022015). Collection method: clinical testing. Allele origin: germline.
Comment: This sequence change replaces cysteine, which is neutral and slightly polar, with arginine, which is basic and polar, at codon 375 of the GCDH protein (p.Cys375Arg). This variant is not present in population databases (gnomAD no frequency). This missense change has been observed in individual(s) with glutaric acidemia (PMID: 24973495; internal data). ClinVar contains an entry for this variant (Variation ID: 1454982). Invitae Evidence Modeling of protein sequence and biophysical properties (such as structural, functional, and spatial information, amino acid conservation, physicochemical variation, residue mobility, and thermodynamic stability) indicates that this missense variant is expected to disrupt GCDH protein function with a positive predictive value of 80%. For these reasons, this variant has been classified as Pathogenic.

Natera, Inc.
Classification: Likely pathogenic for Glutaric acidemia type 1. Last evaluated: 2024-11-21. Review status: criteria provided, single submitter. Criteria: Natera Variant Classification Schema (03/2026). Collection method: clinical testing. Allele origin: germline.
Comment: The c.1123T>C variant in GCDH is a missense variant predicted to cause substitution of cysteine to arginine at amino acid 375. This variant is rare in the general population with a frequency below the threshold expected for the associated phenotype(s). This variant has been observed in one or more individuals affected with the associated recessive disease, as either homozygous or compound heterozygous with a second variant (PMID: 24973495). This variant has been identified in one or more affected individuals with a phenotype highly consistent with the associated gene (PMID: 24973495). Computational prediction algorithms indicate this variant is likely to affect gene or protein function. Given the available evidence, this variant is classified as Likely Pathogenic.

Literature cited by the submitters: PubMed 9711871 (cited by Women's Health and Genetics/Laboratory Corporation of America, LabCorp); PubMed 37020324 (cited by Women's Health and Genetics/Laboratory Corporation of America, LabCorp); PubMed 38137040 (cited by Women's Health and Genetics/Laboratory Corporation of America, LabCorp); PubMed 24973495 (cited by 3 submitters).